The following is an entry in ClinVar:

NM_153460.4(IL17RC):c.1490T>C (p.Leu497Pro)

Genes: IL17RC (interleukin 17 receptor C; plus strand), LOC129936143 (ATAC-STARR-seq lymphoblastoid silent region 14050; plus strand). Cytogenetic location: 3p25.3.
Variant type: single nucleotide variant.
Coding change: c.1490T>C on transcript NM_153460.4 (MANE Select); coding-DNA position 1490, T replaced by C.
Protein change: p.Leu497Pro; replaces leucine 497 with proline.
Molecular consequence: missense variant. On other transcripts: non-coding transcript variant (1), intron variant (5).
Genome position (GRCh38, 1-based): chr3:9,932,826, T>C. VCF-style: chr3-9932826-T-C. GRCh37 (hg19) VCF-style: chr3-9974510-T-C.
Other names: c.1394T>C, p.Leu465Pro (NM_001203265.2); c.1445T>C, p.Leu482Pro (NM_032732.6); c.1703T>C, p.Leu568Pro (NM_153461.4); c.1483+123T>C (NM_001203263.2); c.1432+123T>C (NM_001203264.2); c.1444+123T>C (NM_001367278.1); c.1438+123T>C (NM_001367280.1); c.1363+123T>C (NM_001367279.1); and 1 more; short protein forms L497P, L482P, L568P, L465P.
Identifiers: ClinVar variation 1968807 (VCV001968807.6), dbSNP rs556201350, ClinGen allele CA2247327.
Genomic context (GRCh38, chr3:9,932,826, plus strand): 5'-GAGGGAAAGCGGCGGCCGAGCTCACTGGCTGCCTCCGCCCCTCTCCCCTAACAGGGTGGC[T>C]GAGGCTCTTGAAACAGGACGTCCGCTCGGGGGGTGAGTGGGAGCAAGCGCTGGGCGGAGG-3'
Protein context (NP_703190.2, residues 487-507): LLKKDHAKGW[Leu497Pro]RLLKQDVRSG

ClinVar aggregate classification (germline): Uncertain significance. Review status: criteria provided, multiple submitters, no conflicts (2 of 4 stars). 2 submissions from 2 submitters: Uncertain significance (2). Last evaluated 2025-08-03.

Conditions:
Candidiasis, familial, 9 (CANDF9). Identifiers: Orphanet 1334, MedGen C4225324, MONDO:0014642, OMIM 616445.

Allele frequency attached by ClinVar (database versions not stated): gnomAD exomes 0.00001; ExAC 0.00005; gnomAD 0.00008; TOPMed 0.00010; 1000 Genomes Project 30x 0.00031; 1000 Genomes Project 0.00060.
gnomAD v4.1: 22 of 1,562,208 alleles (0.0014%); highest among the groups gnomAD compares: African/African-American, 0.027%; no homozygotes.

Submissions (2):

Ambry Genetics
Classification: Uncertain significance. Last evaluated: 2025-08-03. Review status: criteria provided, single submitter. Criteria: Ambry Variant Classification Scheme 2023. Collection method: clinical testing. Allele origin: germline.

Labcorp Genetics (formerly Invitae), Labcorp
Classification: Uncertain significance for Candidiasis, familial, 9. Last evaluated: 2024-11-04. Review status: criteria provided, single submitter. Criteria: Invitae Variant Classification Sherloc (09022015). Collection method: clinical testing. Allele origin: germline.
Comment: This sequence change replaces leucine, which is neutral and non-polar, with proline, which is neutral and non-polar, at codon 568 of the IL17RC protein (p.Leu568Pro). This variant is present in population databases (rs556201350, gnomAD 0.04%). This variant has not been reported in the literature in individuals affected with IL17RC-related conditions. ClinVar contains an entry for this variant (Variation ID: 1968807). An algorithm developed to predict the effect of missense changes on protein structure and function (PolyPhen-2) suggests that this variant is likely to be disruptive. In summary, the available evidence is currently insufficient to determine the role of this variant in disease. Therefore, it has been classified as a Variant of Uncertain Significance.